The following is an entry in ClinVar:

NC_000012.11:g.(?_52306259)_(52309304_?)del

Gene: ACVRL1 (activin A receptor like type 1; plus strand). Cytogenetic location: 12q13.13.
Variant type: Deletion.
Identifiers: ClinVar variation 3244307 (VCV003244307.1).

ClinVar aggregate classification (germline): Pathogenic (1 of 4 stars; one submission).

Conditions:
Telangiectasia, hereditary hemorrhagic, type 2 (HHT2). Also called: ACVRL1-Related Hereditary Hemorrhagic Telangiectasia; Telangiectasia, hereditary hemorrhagic, type II. Identifiers: Orphanet 774, MedGen C1838163, MONDO:0010880, OMIM 600376. Disease mechanism: loss of function.

Submission:

Labcorp Genetics (formerly Invitae), Labcorp
Classification: Pathogenic for Telangiectasia, hereditary hemorrhagic, type 2. Last evaluated: 2023-11-17. Review status: criteria provided, single submitter. Criteria: Invitae Variant Classification Sherloc (09022015). Collection method: clinical testing. Allele origin: unknown.
Comment: This variant is a gross deletion of the genomic region encompassing exon(s) 2-7 of the ACVRL1 gene, which includes the initiator codon. This deletion extends beyond the assayed region for this gene and therefore may encompass additional genes. It is expected to result in an absent or disrupted protein product. Loss-of-function variants in ACVRL1 are known to be pathogenic (PMID: 15879500). A similar copy number variant has been observed in individual(s) with hereditary hemorrhagic telangiectasia (PMID: 24001356, 32300199). For these reasons, this variant has been classified as Pathogenic.

Literature cited by the submitters: PubMed 15879500; PubMed 24001356; PubMed 32300199.